The following is an entry in ClinVar:

NM_001085347.3(TOR2A):c.593+160G>A

Gene: TOR2A (torsin family 2 member A; minus strand). Cytogenetic location: 9q34.11.
Variant type: single nucleotide variant.
Coding change: c.593+160G>A on transcript NM_001085347.3 (MANE Select); 160 bases into the intron after coding-DNA position 593, G replaced by A.
Molecular consequence: intron variant. On other transcripts: 3 prime UTR variant (1), synonymous variant (1).
Genome position (GRCh38, 1-based): chr9:127,733,225, C>T on the plus strand (G>A on the coding strand, the complement: TOR2A is on the minus strand). VCF-style: chr9-127733225-C-T. GRCh37 (hg19) VCF-style: chr9-130495504-C-T.
Other names: c.*268G>A (NM_001134431.3); c.753G>A, p.Pro251= (NM_130459.4); c.107+160G>A (NM_001252021.2, NM_001252023.2, NM_001252018.2); c.593+160G>A (NM_001134430.3).
Identifiers: ClinVar variation 2659512 (VCV002659512.24), dbSNP rs145839711, ClinGen allele CA5250572.
Genomic context (GRCh38, chr9:127,733,225, plus strand): 5'-GGCGATCAAAAAGACTGAGCCCAGAATTTGCTGAGAATGTCCAAAGGGAAATCAACCAGG[C>T]GGAATGACAATGTCATCTCTGAGAGTGGCGGAGGGCACTGGGAAAGCCCAGCTAAGCCCA-3'

ClinVar aggregate classification (germline): Likely benign (1 of 4 stars; one submission).

Allele frequency attached by ClinVar (database versions not stated): 1000 Genomes Project 30x 0.00031; 1000 Genomes Project 0.00040; ExAC 0.00051; gnomAD 0.00066; TOPMed 0.00076; ESP Exome Variant Server 0.00139; gnomAD exomes 0.00143.
gnomAD v4.1: 2,176 of 1,605,346 alleles (0.14%); highest among the groups gnomAD compares: Non-Finnish European, 0.17%; 3 homozygotes.

Submission:

CeGaT Center for Human Genetics Tuebingen
Classification: Likely benign. Last evaluated: 2022-11-01. Review status: criteria provided, single submitter. Criteria: CeGaT Center For Human Genetics Tuebingen Variant Classification Criteria Version 2. Collection method: clinical testing. Allele origin: germline. Affected: yes. Observed: 1 variant allele.
Comment: TOR2A: BP4, BP7